The following is an entry in ClinVar:

NM_003848.4(SUCLG2):c.914G>A (p.Cys305Tyr)

Gene: SUCLG2 (succinate-CoA ligase GDP-forming subunit beta; minus strand). Cytogenetic location: 3p14.1.
Variant type: single nucleotide variant.
Coding change: c.914G>A on transcript NM_003848.4 (MANE Select); coding-DNA position 914, G replaced by A.
Protein change: p.Cys305Tyr; replaces cysteine 305 with tyrosine.
Molecular consequence: missense variant.
Genome position (GRCh38, 1-based): chr3:67,498,139, C>T on the plus strand (G>A on the coding strand, the complement: SUCLG2 is on the minus strand). VCF-style: chr3-67498139-C-T. GRCh37 (hg19) VCF-style: chr3-67548563-C-T.
Other names: c.914G>A, p.Cys305Tyr (NM_001177599.2); short protein forms C305Y.
Identifiers: ClinVar variation 3643155 (VCV003643155.2).
Genomic context (GRCh38, chr3:67,498,139, plus strand): 5'-TTCCTAAATTCTATAAGAATCCACAAAGCATTCTTTTGATATAACTGCTTCTTACCAAAG[C>T]AGGCAATGTTCCCATCTAGTCCTATGTATTTTAGATCATATTTGGCAGCTTCATTTTCAA-3'
Protein context (NP_003839.2, residues 295-315): KYIGLDGNIA[Cys305Tyr]FVNGAGLAMA

ClinVar aggregate classification (germline): Uncertain significance (1 of 4 stars; one submission).

Submission:

Labcorp Genetics (formerly Invitae), Labcorp
Classification: Uncertain significance. Last evaluated: 2025-10-13. Review status: criteria provided, single submitter. Criteria: Invitae Variant Classification Sherloc (09022015). Collection method: clinical testing. Allele origin: germline.
Comment: This sequence change replaces cysteine, which is neutral and slightly polar, with tyrosine, which is neutral and polar, at codon 305 of the SUCLG2 protein (p.Cys305Tyr). This variant is not present in population databases (gnomAD no frequency). This variant has not been reported in the literature in individuals affected with SUCLG2-related conditions. ClinVar contains an entry for this variant (Variation ID: 3643155). An algorithm developed to predict the effect of missense changes on protein structure and function (PolyPhen-2) suggests that this variant is likely to be disruptive. In summary, the available evidence is currently insufficient to determine the role of this variant in disease. Therefore, it has been classified as a Variant of Uncertain Significance.